The following is an entry in ClinVar:

NM_000222.3(KIT):c.1727T>C (p.Leu576Pro)

Gene: KIT (KIT proto-oncogene, receptor tyrosine kinase; plus strand). Cytogenetic location: 4q12.
Variant type: single nucleotide variant.
Coding change: c.1727T>C on transcript NM_000222.3 (MANE Select); coding-DNA position 1727, T replaced by C.
Protein change: p.Leu576Pro; replaces leucine 576 with proline.
Molecular consequence: missense variant.
Genome position (GRCh38, 1-based): chr4:54,727,495, T>C. VCF-style: chr4-54727495-T-C. GRCh37 (hg19) VCF-style: chr4-55593661-T-C.
Other names: c.1715T>C, p.Leu572Pro (NM_001093772.2, NM_001385286.1); c.1730T>C, p.Leu577Pro (NM_001385284.1, NM_001385290.1); c.1727T>C, p.Leu576Pro (NM_001385285.1); c.1718T>C, p.Leu573Pro (NM_001385288.1, NM_001385292.1); short protein forms L576P, L572P, L573P, L577P.
Identifiers: ClinVar variation 375919 (VCV000375919.5), dbSNP rs121913513, ClinGen allele CA16602401.
Genomic context (GRCh38, chr4:54,727,495, plus strand): 5'-AGTGGAAGGTTGTTGAGGAGATAAATGGAAACAATTATGTTTACATAGACCCAACACAAC[T>C]TCCTTATGATCACAAATGGGAGTTTCCCAGAAACAGGCTGAGTTTTGGTCAGTATGAAAC-3'
Protein context (NP_000213.1, residues 566-586): NNYVYIDPTQ[Leu576Pro]PYDHKWEFPR

ClinVar aggregate classification (germline): Pathogenic/Likely pathogenic. Review status: criteria provided, multiple submitters, no conflicts (2 of 4 stars). 3 submissions from 3 submitters: Pathogenic (2); Likely pathogenic (1). Last evaluated 2025-04-29.
ClinVar aggregate classification (oncogenicity): Likely oncogenic (0 of 4 stars; one submission).

Conditions:
Autosomal dominant KIT-related disorders.
Hereditary cancer-predisposing syndrome. Also called: Neoplastic Syndromes, Hereditary; Hereditary Cancer Syndrome; Hereditary neoplastic syndrome; Tumor predisposition. Identifiers: Orphanet 140162, MedGen C0027672, MeSH D009386, MONDO:0015356.
Gastrointestinal stromal tumor. Also called: Gastrointestinal stromal tumor, somatic; Gastrointestinal stroma tumor. Identifiers: Orphanet 44890, MedGen C0238198, MeSH D046152, MONDO:0011719, OMIM 606764, HP:0100723.

Submissions (4):

Variantyx, Inc.
Classification: Pathogenic for Autosomal dominant KIT-related disorders. Last evaluated: 2025-04-29. Review status: criteria provided, single submitter. Criteria: Variantyx Assertion Criteria 2022. Collection method: clinical testing. Allele origin: de novo. Inheritance: Autosomal dominant inheritance. Affected: yes.
Comment: This is a nonsynonymous variant in the KIT gene (OMIM: 164920). Pathogenic variants in this gene have been associated with autosomal dominant KIT-related disorders. This variant has been reported in at least three unrelated affected individuals (PMID: 23598963, 27771813 , 27981619) (PS4_Moderate) and has been observed to segregate with disease in at least five individuals from two families (PMID: 23598963, 27981619) (PP1). Multiple computational algorithms predict a deleterious effect for this variant (REVEL score: 0.86) (PP3). This variant is absent from control populations (PM2). Based on the current evidence, this variant is classified as pathogenic for autosomal dominant KIT-related disorders.

Ambry Genetics
Classification: Pathogenic for Hereditary cancer-predisposing syndrome. Last evaluated: 2021-09-07. Review status: criteria provided, single submitter. Criteria: Ambry Variant Classification Scheme 2023. Collection method: clinical testing. Allele origin: germline.
Comment: The p.L576P pathogenic mutation (also known as c.1727T>C), located in coding exon 11 of the KIT gene, results from a T to C substitution at nucleotide position 1727. The leucine at codon 576 is replaced by proline, an amino acid with similar properties. This alteration has been identified in multiple individuals with Gastrointestinal Stromal Tumors (GIST) and segregated with disease in at least one family (Ambry internal data; Neuhann TM et al. Am J Surg Pathol, 2013 Jun;37:898-905; Vale Rodrigues R et al. Fam Cancer, 2017 04;16:267-270; Piqueres-Zubiaurre T et al. Pediatr Dermatol, 2017 Jan;34:84-89). In one family, the alteration is assumed to be de novo in the proband who was affected with GIST after both unaffected parents were found to be wildtype (Vale Rodrigues R et al. Fam Cancer, 2017 04;16:267-270). Cells stably expressing this variant were able to survive without KIT ligand supporting the constitutive activation of the KIT pathway (Antonescu CR et al. Int J Cancer, 2007 Jul;121:257-64). This amino acid position is highly conserved in available vertebrate species. In addition, this alteration is predicted to be deleterious by in silico analysis. Based on the supporting evidence, this alteration is interpreted as a disease-causing mutation.

Labcorp Genetics (formerly Invitae), Labcorp
Classification: Likely pathogenic for Gastrointestinal stromal tumor. Last evaluated: 2019-07-11. Review status: criteria provided, single submitter. Criteria: Invitae Variant Classification Sherloc (09022015). Collection method: clinical testing. Allele origin: germline.
Comment: This sequence change replaces leucine with proline at codon 576 of the KIT protein (p.Leu576Pro). The leucine residue is highly conserved and there is a moderate physicochemical difference between leucine and proline. This variant is not present in population databases (ExAC no frequency). ClinVar contains an entry for this variant (Variation ID: 375919). Algorithms developed to predict the effect of missense changes on protein structure and function are either unavailable or do not agree on the potential impact of this missense change (SIFT: "Deleterious"; PolyPhen-2: "Benign"; Align-GVGD: "Class C65"). In summary, the currently available evidence indicates that the variant is pathogenic, but additional data are needed to prove that conclusively. Therefore, this variant has been classified as Likely Pathogenic.

National Institute of Cancer Research, National Health Research Institutes
Classification: Likely oncogenic for Gastrointestinal stromal tumor. Review status: no assertion criteria provided. Collection method: research. Allele origin: somatic. Affected: yes. Observed: 2 variant alleles.
Comment: the literature

Literature cited by the submitters: PubMed 23598963 (cited by 3 submitters); PubMed 27771813 (cited by 3 submitters); PubMed 27981619 (cited by Variantyx, Inc. and Ambry Genetics); PubMed 17372901 (cited by Variantyx, Inc. and Ambry Genetics).